The following is an entry in ClinVar:

NM_053025.4(MYLK):c.3184G>A (p.Ala1062Thr)

Gene: MYLK (myosin light chain kinase; minus strand). Cytogenetic location: 3q21.1.
Variant type: single nucleotide variant.
Coding change: c.3184G>A on transcript NM_053025.4 (MANE Select); coding-DNA position 3184, G replaced by A.
Protein change: p.Ala1062Thr; replaces alanine 1062 with threonine.
Molecular consequence: missense variant.
Genome position (GRCh38, 1-based): chr3:123,700,284, C>T on the plus strand (G>A on the coding strand, the complement: MYLK is on the minus strand). VCF-style: chr3-123700284-C-T. GRCh37 (hg19) VCF-style: chr3-123419131-C-T.
Other names: p.Ala1062Thr; c.2656G>A, p.Ala886Thr (NM_001321309.2); c.2977G>A, p.Ala993Thr (NM_053026.4, NM_053028.4); c.3184G>A, p.Ala1062Thr (NM_053027.4); short protein forms A1062T, A993T, A886T.
Identifiers: ClinVar variation 471718 (VCV000471718.46), dbSNP rs11558550, ClinGen allele CA069425.

ClinVar aggregate classification (germline): Conflicting classifications of pathogenicity. Review status: criteria provided, conflicting classifications (1 of 4 stars). 6 submissions from 6 submitters: Uncertain significance (3); Likely benign (3). Last evaluated 2026-01-28.

Conditions:
Familial thoracic aortic aneurysm and aortic dissection (TAAD). Also called: Thoracic aortic aneurysms and dissections. Identifiers: Orphanet 91387, MedGen C4707243, MONDO:0019625.
Aortic aneurysm, familial thoracic 7 (AAT7). Also called: AORTIC DISSECTION, FAMILIAL, WITH OR WITHOUT AORTIC ANEURYSM. Identifiers: MedGen C3151077, MONDO:0013418, OMIM 613780.

Allele frequency attached by ClinVar (database versions not stated): gnomAD 0.00006; TOPMed 0.00015; ESP Exome Variant Server 0.00031.

Submissions (6):

Labcorp Genetics (formerly Invitae), Labcorp
Classification: Uncertain significance for Aortic aneurysm, familial thoracic 7. Last evaluated: 2026-01-28. Review status: criteria provided, single submitter. Criteria: Invitae Variant Classification Sherloc (09022015). Collection method: clinical testing. Allele origin: germline.
Comment: This sequence change replaces alanine, which is neutral and non-polar, with threonine, which is neutral and polar, at codon 1062 of the MYLK protein (p.Ala1062Thr). This variant is present in population databases (rs11558550, gnomAD 0.03%). This variant has not been reported in the literature in individuals affected with MYLK-related conditions. ClinVar contains an entry for this variant (Variation ID: 471718). Invitae Evidence Modeling of protein sequence and biophysical properties (such as structural, functional, and spatial information, amino acid conservation, physicochemical variation, residue mobility, and thermodynamic stability) indicates that this missense variant is not expected to disrupt MYLK protein function with a negative predictive value of 95%. In summary, the available evidence is currently insufficient to determine the role of this variant in disease. Therefore, it has been classified as a Variant of Uncertain Significance.

Mayo Clinic Laboratories, Mayo Clinic
Classification: Uncertain significance. Last evaluated: 2024-12-25. Review status: criteria provided, single submitter. Criteria: ACMG Guidelines, 2015. Collection method: clinical testing. Allele origin: germline. Observed: 1 variant allele.
Comment: BP4

CeGaT Center for Human Genetics Tuebingen
Classification: Likely benign. Last evaluated: 2023-12-01. Review status: criteria provided, single submitter. Criteria: CeGaT Center For Human Genetics Tuebingen Variant Classification Criteria Version 2. Collection method: clinical testing. Allele origin: germline. Affected: yes. Observed: 2 variant alleles.
Comment: MYLK: BP4, BS2

Ambry Genetics
Classification: Likely benign for Familial thoracic aortic aneurysm and aortic dissection. Last evaluated: 2023-03-29. Review status: criteria provided, single submitter. Criteria: Ambry Variant Classification Scheme 2023. Collection method: clinical testing. Allele origin: germline.

GeneDx
Classification: Likely benign. Last evaluated: 2020-06-05. Review status: criteria provided, single submitter. Criteria: GeneDx Variant Classification Process June 2021. Collection method: clinical testing. Allele origin: germline. Affected: yes.

CHEO Genetics Diagnostic Laboratory, Children's Hospital of Eastern Ontario
Classification: Uncertain significance for Familial thoracic aortic aneurysm and aortic dissection. Last evaluated: 2019-12-10. Review status: criteria provided, single submitter. Criteria: ACMG Guidelines, 2015. Collection method: clinical testing. Allele origin: germline.

Literature cited by the submitters: PubMed 26017485 (cited by Ambry Genetics).